The following is an entry in ClinVar:

NM_002435.3(MPI):c.815C>T (p.Ala272Val)

Gene: MPI (mannose phosphate isomerase; plus strand). Cytogenetic location: 15q24.1.
Variant type: single nucleotide variant.
Coding change: c.815C>T on transcript NM_002435.3 (MANE Select); coding-DNA position 815, C replaced by T.
Protein change: p.Ala272Val; replaces alanine 272 with valine.
Molecular consequence: missense variant.
Genome position (GRCh38, 1-based): chr15:74,896,296, C>T. VCF-style: chr15-74896296-C-T. GRCh37 (hg19) VCF-style: chr15-75188637-C-T.
Other names: c.815C>T, p.Ala272Val (NM_001289155.2); c.665C>T, p.Ala222Val (NM_001289156.2); c.632C>T, p.Ala211Val (NM_001289157.2); c.755C>T, p.Ala252Val (NM_001330372.2); short protein forms A211V, A222V, A252V, A272V.
Identifiers: ClinVar variation 3607064 (VCV003607064.2).

ClinVar aggregate classification (germline): Uncertain significance (1 of 4 stars; one submission).

Conditions:
MPI-congenital disorder of glycosylation. Also called: CONGENITAL DISORDER OF GLYCOSYLATION, TYPE Ib; CDG Ib; MPI-CDG; MPI DEFICIENCY; MANNOSEPHOSPHATE ISOMERASE DEFICIENCY; PROTEIN-LOSING ENTEROPATHY-HEPATIC FIBROSIS SYNDROME. Identifiers: Orphanet 79319, MedGen C1865145, MONDO:0011257, OMIM 602579.

Submission:

Labcorp Genetics (formerly Invitae), Labcorp
Classification: Uncertain significance for MPI-congenital disorder of glycosylation. Last evaluated: 2024-11-23. Review status: criteria provided, single submitter. Criteria: Invitae Variant Classification Sherloc (09022015). Collection method: clinical testing. Allele origin: germline.
Comment: This sequence change replaces alanine, which is neutral and non-polar, with valine, which is neutral and non-polar, at codon 272 of the MPI protein (p.Ala272Val). This variant is present in population databases (rs769238714, gnomAD 0.006%). This variant has not been reported in the literature in individuals affected with MPI-related conditions. Invitae Evidence Modeling of protein sequence and biophysical properties (such as structural, functional, and spatial information, amino acid conservation, physicochemical variation, residue mobility, and thermodynamic stability) indicates that this missense variant is not expected to disrupt MPI protein function with a negative predictive value of 80%. In summary, the available evidence is currently insufficient to determine the role of this variant in disease. Therefore, it has been classified as a Variant of Uncertain Significance.